The following is an entry in ClinVar:

ClinVar aggregate classification (germline): Uncertain significance. Review status: criteria provided, single submitter (1 of 4 stars). 2 submissions from 2 submitters: Uncertain significance (1). 1 of the submissions does not count toward it. Last evaluated 2020-01-23.

Allele frequency attached by ClinVar (database versions not stated): gnomAD exomes below 0.00001 and 0.00001; ExAC 0.00001; gnomAD 0.00001.
gnomAD v4.1: 13 of 1,613,310 alleles (0.00081%); highest among the groups gnomAD compares: African/African-American, 0.0013%; no homozygotes.

Submissions (2):

Labcorp Genetics (formerly Invitae), Labcorp
Classification: Uncertain significance. Last evaluated: 2020-01-23. Review status: criteria provided, single submitter. Criteria: Invitae Variant Classification Sherloc (09022015). Collection method: clinical testing. Allele origin: germline.
Comment: Nucleotide substitutions within the consensus splice site are a relatively common cause of aberrant splicing (PMID: 17576681, 9536098). In summary, the available evidence is currently insufficient to determine the role of this variant in disease. Therefore, it has been classified as a Variant of Uncertain Significance. Algorithms developed to predict the effect of missense changes on protein structure and function are either unavailable or do not agree on the potential impact of this missense change (SIFT: "Deleterious"; PolyPhen-2: "Benign"; Align-GVGD: "Class C55"). This sequence change replaces glycine with serine at codon 225 of the CNGA3 protein (p.Gly225Ser). The glycine residue is highly conserved and there is a small physicochemical difference between glycine and serine. This variant also falls at the last nucleotide of exon 7 of the CNGA3 coding sequence, which is part of the consensus splice site for this exon. This variant is present in population databases (rs768061703, ExAC 0.002%). This variant has not been reported in the literature in individuals with CNGA3-related conditions.

Department of Pathology and Laboratory Medicine, Sinai Health System
Classification: Uncertain significance. Review status: no assertion criteria provided. Collection method: clinical testing. Allele origin: unknown. Affected: yes. Study: The Canadian Open Genetics Repository (COGR). Not counted in ClinVar's aggregate classification.
Comment: The CNGA3 p.Gly225Ser variant was not identified in the literature nor was it identified in ClinVar. The variant was identified in dbSNP (ID: rs768061703) and in control databases in 1 of 251050 chromosomes at a frequency of 0.000003983 (Genome Aggregation Database March 6, 2019, v2.1.1). The variant was observed in the European (non-Finnish) population in 1 of 113702 chromosomes (freq: 0.000009), but was not observed in the African, Latino, Ashkenazi Jewish, East Asian, European (Finnish), Other, or South Asian populations. The p.Gly225 residue is conserved across mammals and other organisms, and four out of five computational analyses (PolyPhen-2, SIFT, AlignGVGD, BLOSUM, MutationTaster) suggest that the variant may impact the protein; however, this information is not predictive enough to assume pathogenicity. The p.Gly225Ser variant occurs in the last base of the exon; this position has been shown to be part of the splicing consensus sequence and variants involving this position sometimes affect splicing. In addition, 3 of 4 in silico or computational prediction software programs (SpliceSiteFinder, MaxEntScan, NNSPLICE, GeneSplicer) predict a greater than 10% difference in splicing. However, this has not been confirmed by RNA analysis and is not predictive enough to assume pathogenicity. In summary, based on the above information the clinical significance of this variant cannot be determined with certainty at this time. This variant is classified as a variant of uncertain significance.

Literature cited by the submitters: PubMed 17576681 (cited by Labcorp Genetics (formerly Invitae), Labcorp); PubMed 9536098 (cited by Labcorp Genetics (formerly Invitae), Labcorp).

NM_001298.3(CNGA3):c.673G>A (p.Gly225Ser)

Gene: CNGA3 (cyclic nucleotide gated channel subunit alpha 3; plus strand). Cytogenetic location: 2q11.2.
Variant type: single nucleotide variant.
Coding change: c.673G>A on transcript NM_001298.3 (MANE Select); coding-DNA position 673, G replaced by A.
Protein change: p.Gly225Ser; replaces glycine 225 with serine.
Molecular consequence: missense variant.
Genome position (GRCh38, 1-based): chr2:98,391,970, G>A. VCF-style: chr2-98391970-G-A. GRCh37 (hg19) VCF-style: chr2-99008433-G-A.
Other names: c.619G>A, p.Gly207Ser (NM_001079878.2); short protein forms G207S, G225S.
Identifiers: ClinVar variation 1017894 (VCV001017894.9), dbSNP rs768061703, ClinGen allele CA1793843.
Genomic context (GRCh38, chr2:98,391,970, plus strand): 5'-GTCCTGGACTACTCGGCAGATGTCCTGTATGTCTTGGATGTGCTTGTACGAGCTCGGACA[G>A]GTGAGTGTGCCCCAGGCCTGGGGAGGGGACCATGGCCCCCACGGGAGTGTTCCGGGAGAC-3'
Protein context (NP_001289.1, residues 215-235): VLDVLVRART[Gly225Ser]FLEQGLMVSD